The following is an entry in ClinVar:

ClinVar aggregate classification (germline): Uncertain significance (1 of 4 stars; one submission).

Submission:

GeneDx
Classification: Uncertain significance. Last evaluated: 2024-05-07. Review status: criteria provided, single submitter. Criteria: GeneDx Variant Classification Process June 2021. Collection method: clinical testing. Allele origin: germline. Affected: yes.
Comment: Not observed at significant frequency in large population cohorts (gnomAD); In silico analysis supports that this missense variant has a deleterious effect on protein structure/function; Has not been previously published as pathogenic or benign to our knowledge

NM_181332.3(NLGN4X):c.1126G>C (p.Gly376Arg)

Gene: NLGN4X (neuroligin 4 X-linked; minus strand). Cytogenetic location: Xp22.32.
Variant type: single nucleotide variant.
Coding change: c.1126G>C on transcript NM_181332.3 (MANE Select); coding-DNA position 1126, G replaced by C.
Protein change: p.Gly376Arg; replaces glycine 376 with arginine.
Molecular consequence: missense variant.
Genome position (GRCh38, 1-based): chrX:5,903,552, C>G on the plus strand (G>C on the coding strand, the complement: NLGN4X is on the minus strand). VCF-style: chrX-5903552-C-G. GRCh37 (hg19) VCF-style: chrX-5821593-C-G.
Other names: c.1126G>C, p.Gly376Arg (NM_001282145.2, NM_001282146.2, NM_020742.4); short protein forms G376R.
Identifiers: ClinVar variation 3375917 (VCV003375917.1).
Genomic context (GRCh38, chrX:5,903,552, plus strand): 5'-CAAAGTCGTTGGGCGTCACACCGTCCTCGTTATCCACGATGCCGTCCACGAACTTCAGGC[C>G]TTCCCCTTGGTTGACGCCCAGCATGATGTCGTAGTTGAGGAACTCGCCTTGCTCCATCAG-3'
Protein context (NP_851849.1, residues 366-386): DIMLGVNQGE[Gly376Arg]LKFVDGIVDN